The following is an entry in ClinVar:

ClinVar aggregate classification (germline): Pathogenic/Likely pathogenic. Review status: criteria provided, multiple submitters, no conflicts (2 of 4 stars). 4 submissions from 4 submitters: Pathogenic (1); Likely pathogenic (3). Last evaluated 2024-04-02.

Conditions:
Fanconi anemia complementation group I (FANCI). Also called: FANCI-Related Fanconi Anemia. Identifiers: Orphanet 84, MedGen C1836861, MONDO:0012186, OMIM 609053.
Fanconi anemia (FA). Also called: Fanconi's anemia. Identifiers: Orphanet 84, MedGen C0015625, MeSH D005199, MONDO:0019391.

Allele frequency attached by ClinVar (database versions not stated): gnomAD exomes below 0.00001 and 0.00001.

Submissions (4):

Fulgent Genetics
Classification: Likely pathogenic for Fanconi anemia complementation group I. Last evaluated: 2024-04-02. Review status: criteria provided, single submitter. Criteria: ACMG Guidelines, 2015. Collection method: clinical testing. Allele origin: germline.

Labcorp Genetics (formerly Invitae), Labcorp
Classification: Pathogenic for Fanconi anemia. Last evaluated: 2023-12-27. Review status: criteria provided, single submitter. Criteria: Invitae Variant Classification Sherloc (09022015). Collection method: clinical testing. Allele origin: germline.
Comment: This sequence change creates a premature translational stop signal (p.Gly857Alafs*6) in the FANCI gene. It is expected to result in an absent or disrupted protein product. Loss-of-function variants in FANCI are known to be pathogenic (PMID: 17452773, 17460694). This variant is present in population databases (no rsID available, gnomAD 0.01%). This variant has not been reported in the literature in individuals affected with FANCI-related conditions. ClinVar contains an entry for this variant (Variation ID: 936631). For these reasons, this variant has been classified as Pathogenic.

Women's Health and Genetics/Laboratory Corporation of America, LabCorp
Classification: Likely pathogenic for Fanconi anemia. Last evaluated: 2023-03-30. Review status: criteria provided, single submitter. Criteria: LabCorp Variant Classification Summary - May 2015. Collection method: clinical testing. Allele origin: germline.
Comment: Variant summary: FANCI c.2568_2569delAG (p.Gly857AlafsX6) results in a premature termination codon, predicted to cause a truncation of the encoded protein or absence of the protein due to nonsense mediated decay, which are commonly known mechanisms for disease. The variant allele was found at a frequency of 6.3e-06 in 158550 control chromosomes. To our knowledge, no occurrence of c.2568_2569delAG in individuals affected with Fanconi Anemia and no experimental evidence demonstrating its impact on protein function have been reported. Two clinical diagnostic laboratories have submitted clinical-significance assessments for this variant to ClinVar after 2014 and classified the variant as pathogenic/likely pathogenic. Based on the evidence outlined above, the variant was classified as likely pathogenic.

Baylor Genetics
Classification: Likely pathogenic for Fanconi anemia complementation group I. Last evaluated: 2022-08-18. Review status: criteria provided, single submitter. Criteria: ACMG Guidelines, 2015. Collection method: clinical testing. Allele origin: unknown.

Literature cited by the submitters: PubMed 17452773 (cited by Labcorp Genetics (formerly Invitae), Labcorp); PubMed 17460694 (cited by Labcorp Genetics (formerly Invitae), Labcorp).

NM_001113378.2(FANCI):c.2568_2569del (p.Gly857fs)

Gene: FANCI (FA complementation group I; plus strand). Cytogenetic location: 15q26.1.
Variant type: Deletion.
Coding change: c.2568_2569del on transcript NM_001113378.2 (MANE Select); coding-DNA positions 2568 to 2569, 2 bases deleted (AG; older notation c.2568_2569delAG).
Protein change: p.Gly857fs; shifts the reading frame from glycine 857.
Molecular consequence: frameshift variant. On other transcripts: intron variant (1).
Genome position (GRCh38, 1-based): chr15:89,295,026-89,295,027, AG deleted. VCF-style (leftmost placement, unchanged base first): chr15-89295025-CAG-C. GRCh37 (hg19) VCF-style: chr15-89838256-CAG-C.
Other names: c.2289_2290del, p.Gly764fs (NM_001376910.1); c.2568_2569del, p.Gly857fs (NM_001376911.1); c.2456+1029_2456+1030del (NM_018193.3); c.2568_2569delAG (NM_001113378.1); short protein forms G857fs, G764fs.
Identifiers: ClinVar variation 936631 (VCV000936631.11), dbSNP rs1385885533, ClinGen allele CA619857339.